The following is an entry in ClinVar:

ClinVar aggregate classification (germline): Uncertain significance (1 of 4 stars; one submission).

Conditions:
Dyskeratosis congenita. Identifiers: Orphanet 1775, MedGen C0265965, MONDO:0015780.

Submission:

Ambry Genetics
Classification: Uncertain significance for Dyskeratosis congenita. Last evaluated: 2025-08-23. Review status: criteria provided, single submitter. Criteria: Ambry Variant Classification Scheme 2023. Collection method: clinical testing. Allele origin: germline.
Comment: The p.E600K variant (also known as c.1798G>A), located in coding exon 4 of the TERT gene, results from a G to A substitution at nucleotide position 1798. The glutamic acid at codon 600 is replaced by lysine, an amino acid with similar properties. This amino acid position is conserved. In addition, the in silico prediction for this alteration is inconclusive. Based on the available evidence, the clinical significance of this variant remains unclear.

NM_198253.3(TERT):c.1798G>A (p.Glu600Lys)

Gene: TERT (telomerase reverse transcriptase; minus strand). Cytogenetic location: 5p15.33.
Variant type: single nucleotide variant.
Coding change: c.1798G>A on transcript NM_198253.3 (MANE Select); coding-DNA position 1798, G replaced by A.
Protein change: p.Glu600Lys; replaces glutamic acid 600 with lysine.
Molecular consequence: missense variant. On other transcripts: non-coding transcript variant (2).
Genome position (GRCh38, 1-based): chr5:1,280,310, C>T on the plus strand (G>A on the coding strand, the complement: TERT is on the minus strand). VCF-style: chr5-1280310-C-T. GRCh37 (hg19) VCF-style: chr5-1280425-C-T.
Other names: c.1798G>A, p.Glu600Lys (NM_001193376.3); short protein forms E600K.
Identifiers: ClinVar variation 4182814 (VCV004182814.1).